The following is an entry in ClinVar:

ClinVar aggregate classification (germline): Uncertain significance. Review status: criteria provided, multiple submitters, no conflicts (2 of 4 stars). 2 submissions from 2 submitters: Uncertain significance (2). Last evaluated 2020-09-08.

Conditions:
Pulmonary hypertension, primary, 3. Identifiers: Orphanet 422, MedGen C3809192, MONDO:0014135, OMIM 615343.

Allele frequency attached by ClinVar (database versions not stated): ExAC 0.00001; gnomAD 0.00001; gnomAD exomes 0.00002.
gnomAD v4.1: 14 of 1,613,822 alleles (0.00087%); highest among the groups gnomAD compares: South Asian, 0.015%; no homozygotes.

Submissions (2):

Dubai Health Genomic Medicine Center, Dubai Health
Classification: Uncertain significance for Pulmonary hypertension, primary, 3. Last evaluated: 2020-09-08. Review status: criteria provided, single submitter. Criteria: ACMG Guidelines, 2015. Collection method: clinical testing. Allele origin: germline. Affected: yes.
Comment: The p.Ser136Asn missense variant in CAV1 has not been previously reported in affected individuals but was identified in 4/30612 (0.0013% 0 homozygotes) South Asian alleles in the Genome Aggregation Database (gnomAD). Computational prediction tools and conservation analysis suggest an impact to protein function though this information is not predictive enough to confirm pathogenicity. In summary more information is needed to fully assess the clinical significance of this variant.

Neuberg Centre For Genomic Medicine, NCGM
Classification: Uncertain significance for Pulmonary hypertension, primary, 3. Review status: criteria provided, single submitter. Criteria: ACMG Guidelines, 2015. Collection method: clinical testing. Allele origin: germline. Inheritance: Autosomal dominant inheritance. Affected: yes.
Comment: The missense variant p.S136N in CAV1 (NM_001753.5) has not been reported previously as a pathogenic variant nor as a benign variant, to our knowledge. The missense variant c.407G>A (p.S136N) in CAV1 (NM_001753.5) is observed in 4/30612 (0.0131%) alleles from individuals of South Asian background in the gnomAD dataset (Exome Aggregation Consortium et al., 2016), but was not seen in the homozygous state. The p.S136N missense variant is predicted to be damaging by both SIFT and PolyPhen2. The serine residue at codon 136 of CAV1 is conserved in all mammalian species. The nucleotide c.407 in CAV1 is predicted conserved by GERP++ and PhyloP across 100 vertebrates. For these reasons, this variant has been classified as Uncertain Significance.

NM_001753.5(CAV1):c.407G>A (p.Ser136Asn)

Gene: CAV1 (caveolin 1; plus strand). Cytogenetic location: 7q31.2.
Variant type: single nucleotide variant.
Coding change: c.407G>A on transcript NM_001753.5 (MANE Select); coding-DNA position 407, G replaced by A.
Protein change: p.Ser136Asn; replaces serine 136 with asparagine.
Molecular consequence: missense variant.
Genome position (GRCh38, 1-based): chr7:116,559,157, G>A. VCF-style: chr7-116559157-G-A. GRCh37 (hg19) VCF-style: chr7-116199211-G-A.
Other names: c.314G>A, p.Ser105Asn (NM_001172895.1, NM_001172896.2, NM_001172897.2); short protein forms S105N, S136N.
Identifiers: ClinVar variation 1301625 (VCV001301625.3), dbSNP rs775940936, ClinGen allele CA4447880.